The following is an entry in ClinVar:

NM_000189.5(HK2):c.1272C>G (p.Ala424=)

Gene: HK2 (hexokinase 2; plus strand). Cytogenetic location: 2p12.
Variant type: single nucleotide variant.
Coding change: c.1272C>G on transcript NM_000189.5 (MANE Select); coding-DNA position 1272, C replaced by G.
Protein change: p.Ala424=; no amino-acid change (alanine 424 retained).
Molecular consequence: synonymous variant.
Genome position (GRCh38, 1-based): chr2:74,880,271, C>G. VCF-style: chr2-74880271-C-G. GRCh37 (hg19) VCF-style: chr2-75107398-C-G.
Other names: c.1188C>G, p.Ala396= (NM_001371525.2).
Identifiers: ClinVar variation 3052617 (VCV003052617.2), dbSNP rs375820063, ClinGen allele CA1731367.

ClinVar aggregate classification (germline): Likely benign (0 of 4 stars; one submission).

Conditions:
HK2-related disorder. Also called: HK2-related condition.

Allele frequency attached by ClinVar (database versions not stated): ESP Exome Variant Server 0.00008.
gnomAD v4.1: 19 of 1,613,998 alleles (0.0012%); highest among the groups gnomAD compares: Non-Finnish European, 0.0015%; no homozygotes.

Submission:

PreventionGenetics, part of Exact Sciences
Classification: Likely benign for HK2-related condition. Last evaluated: 2019-08-22. Review status: no assertion criteria provided. Collection method: clinical testing. Allele origin: germline.
Comment: This variant is classified as likely benign based on ACMG/AMP sequence variant interpretation guidelines (Richards et al. 2015 PMID: 25741868, with internal and published modifications).